The following is an entry in ClinVar:

NM_000361.3(THBD):c.981T>A (p.Asp327Glu)

Gene: THBD (thrombomodulin; minus strand). Cytogenetic location: 20p11.21.
Variant type: single nucleotide variant.
Coding change: c.981T>A on transcript NM_000361.3 (MANE Select); coding-DNA position 981, T replaced by A.
Protein change: p.Asp327Glu; replaces aspartic acid 327 with glutamic acid.
Molecular consequence: missense variant.
Genome position (GRCh38, 1-based): chr20:23,048,524, A>T on the plus strand (T>A on the coding strand, the complement: THBD is on the minus strand). VCF-style: chr20-23048524-A-T. GRCh37 (hg19) VCF-style: chr20-23029161-A-T.
Other names: short protein forms D327E.
Identifiers: ClinVar variation 3667121 (VCV003667121.2).

ClinVar aggregate classification (germline): Uncertain significance (1 of 4 stars; one submission).

Submission:

Labcorp Genetics (formerly Invitae), Labcorp
Classification: Uncertain significance. Last evaluated: 2024-12-14. Review status: criteria provided, single submitter. Criteria: Invitae Variant Classification Sherloc (09022015). Collection method: clinical testing. Allele origin: germline.
Comment: This sequence change replaces aspartic acid, which is acidic and polar, with glutamic acid, which is acidic and polar, at codon 327 of the THBD protein (p.Asp327Glu). This variant is not present in population databases (gnomAD no frequency). This variant has not been reported in the literature in individuals affected with THBD-related conditions. Invitae Evidence Modeling of protein sequence and biophysical properties (such as structural, functional, and spatial information, amino acid conservation, physicochemical variation, residue mobility, and thermodynamic stability) indicates that this missense variant is expected to disrupt THBD protein function with a positive predictive value of 80%. In summary, the available evidence is currently insufficient to determine the role of this variant in disease. Therefore, it has been classified as a Variant of Uncertain Significance.